The following is an entry in ClinVar:

NM_182919.4(TICAM1):c.1600C>A (p.Gln534Lys)

Gene: TICAM1 (TIR domain containing adaptor molecule 1; minus strand). Cytogenetic location: 19p13.3.
Variant type: single nucleotide variant.
Coding change: c.1600C>A on transcript NM_182919.4 (MANE Select); coding-DNA position 1600, C replaced by A.
Protein change: p.Gln534Lys; replaces glutamine 534 with lysine.
Molecular consequence: missense variant.
Genome position (GRCh38, 1-based): chr19:4,816,778, G>T on the plus strand (C>A on the coding strand, the complement: TICAM1 is on the minus strand). VCF-style: chr19-4816778-G-T. GRCh37 (hg19) VCF-style: chr19-4816790-G-T.
Other names: c.1558C>A, p.Gln520Lys (NM_001385678.1); c.1465C>A, p.Gln489Lys (NM_001385679.1); c.958C>A, p.Gln320Lys (NM_001385680.1); c.1600C>A (NM_182919.2); short protein forms Q489K, Q534K, Q520K, Q320K.
Identifiers: ClinVar variation 1450310 (VCV001450310.4), dbSNP rs142171170, ClinGen allele CA9105101.

ClinVar aggregate classification (germline): Uncertain significance. Review status: criteria provided, multiple submitters, no conflicts (2 of 4 stars). 2 submissions from 2 submitters: Uncertain significance (2). Last evaluated 2024-01-09.

Conditions:
Encephalopathy, acute, infection-induced (herpes-specific), susceptibility to, 6. Also called: Herpes simplex encephalitis, susceptibility to, 4. Identifiers: Orphanet 1930, MedGen C3553869, MONDO:0013921, OMIM 614850.

Allele frequency attached by ClinVar (database versions not stated): 1000 Genomes Project 30x 0.00016; gnomAD 0.00018; 1000 Genomes Project 0.00020; gnomAD exomes 0.00002; ExAC 0.00003; ESP Exome Variant Server 0.00015; TOPMed 0.00015.
gnomAD v4.1: 41 of 1,613,470 alleles (0.0025%); highest among the groups gnomAD compares: African/African-American, 0.032%; no homozygotes.

Submissions (2):

Ambry Genetics
Classification: Uncertain significance. Last evaluated: 2024-01-09. Review status: criteria provided, single submitter. Criteria: Ambry Variant Classification Scheme 2023. Collection method: clinical testing. Allele origin: germline.

Labcorp Genetics (formerly Invitae), Labcorp
Classification: Uncertain significance for Encephalopathy, acute, infection-induced (herpes-specific), susceptibility to, 6. Last evaluated: 2022-07-26. Review status: criteria provided, single submitter. Criteria: Invitae Variant Classification Sherloc (09022015). Collection method: clinical testing. Allele origin: germline.
Comment: This sequence change replaces glutamine, which is neutral and polar, with lysine, which is basic and polar, at codon 534 of the TICAM1 protein (p.Gln534Lys). This variant is present in population databases (rs142171170, gnomAD 0.04%). This variant has not been reported in the literature in individuals affected with TICAM1-related conditions. ClinVar contains an entry for this variant (Variation ID: 1450310). Algorithms developed to predict the effect of missense changes on protein structure and function (SIFT, PolyPhen-2, Align-GVGD) all suggest that this variant is likely to be tolerated. In summary, the available evidence is currently insufficient to determine the role of this variant in disease. Therefore, it has been classified as a Variant of Uncertain Significance.